The following is an entry in ClinVar:

ClinVar aggregate classification (germline): Uncertain significance (1 of 4 stars; one submission).

Conditions:
Severe early-onset pulmonary alveolar proteinosis due to MARS deficiency. Also called: Interstitial lung and liver disease; PULMONARY ALVEOLAR PROTEINOSIS, REUNION ISLAND. Identifiers: Orphanet 440427, MedGen C4225400, MONDO:0014206, OMIM 615486.
Charcot-Marie-Tooth disease axonal type 2U. Also called: CHARCOT-MARIE-TOOTH NEUROPATHY, TYPE 2U; CHARCOT-MARIE-TOOTH DISEASE, AXONAL, AUTOSOMAL DOMINANT, TYPE 2U. Identifiers: Orphanet 397735, MedGen C4084821, MONDO:0014566, OMIM 616280.

gnomAD v4.1: 1 of 1,614,170 alleles (0.000062%); highest among the groups gnomAD compares: Non-Finnish European, 0.000085%; no homozygotes.

Submission:

Labcorp Genetics (formerly Invitae), Labcorp
Classification: Uncertain significance for Charcot-Marie-Tooth disease axonal type 2U; Severe early-onset pulmonary alveolar proteinosis due to MARS deficiency. Last evaluated: 2024-05-15. Review status: criteria provided, single submitter. Criteria: Invitae Variant Classification Sherloc (09022015). Collection method: clinical testing. Allele origin: germline.
Comment: This sequence change affects codon 282 of the MARS mRNA. It is a 'silent' change, meaning that it does not change the encoded amino acid sequence of the MARS protein. This variant is not present in population databases (gnomAD no frequency). This variant has not been reported in the literature in individuals affected with MARS-related conditions. Algorithms developed to predict the effect of sequence changes on RNA splicing suggest that this variant may disrupt the consensus splice site. In summary, the available evidence is currently insufficient to determine the role of this variant in disease. Therefore, it has been classified as a Variant of Uncertain Significance.

NM_004990.4(MARS1):c.846G>T (p.Gly282=)

Gene: MARS1 (methionyl-tRNA synthetase 1; plus strand). Cytogenetic location: 12q13.3.
Variant type: single nucleotide variant.
Coding change: c.846G>T on transcript NM_004990.4 (MANE Select); coding-DNA position 846, G replaced by T.
Protein change: p.Gly282=; no amino-acid change (glycine 282 retained).
Molecular consequence: synonymous variant.
Genome position (GRCh38, 1-based): chr12:57,498,232, G>T. VCF-style: chr12-57498232-G-T. GRCh37 (hg19) VCF-style: chr12-57892015-G-T.
Identifiers: ClinVar variation 3753412 (VCV003753412.2).